The following is an entry in ClinVar:

ClinVar aggregate classification (germline): Likely pathogenic (1 of 4 stars; one submission).

Conditions:
Isolated microphthalmia 6. Also called: MICROPHTHALMIA, POSTERIOR NONSYNDROMIC. Identifiers: Orphanet 2542, MedGen C3150757, MONDO:0013293, OMIM 613517.

Submission:

Molecular Genetics Center, Sichuan Provincial People's Hospital
Classification: Likely pathogenic for Isolated microphthalmia 6. Last evaluated: 2026-01-07. Review status: criteria provided, single submitter. Criteria: ACMG Guidelines, 2015. Collection method: clinical testing. Allele origin: germline. Inheritance: Autosomal recessive inheritance. Affected: yes. Observed: 1 compound heterozygote.
Comment: This variant is a missense variant, not previously reported. The allele frequency of this variant is not found in gnomAD, indicating that it is a rare variant (PM2_Supporting). In-silico prediction tools suggest that this variant is likely to be deleterious (PP3). In addition, the variant is located in a critical functional domain of the protein with a low rate of benign variation (PM1_Supporting). The clinical phenotype of the proband is highly consistent with microphthalmia, isolated 6, and variants in PRSS56 account for approximately 38% of this phenotype in the Chinese population (PP4_Moderate). According to the ACMG guidelines, this variant is classified as likely pathogenic (PM2_Supporting + PM3 + PP3 + PM1_Supporting + PP4_Moderate = 7).

NM_001195129.2(PRSS56):c.970C>T (p.Arg324Cys)

Gene: PRSS56 (serine protease 56; plus strand). Cytogenetic location: 2q37.1.
Variant type: single nucleotide variant.
Coding change: c.970C>T on transcript NM_001195129.2 (MANE Select); coding-DNA position 970, C replaced by T.
Protein change: p.Arg324Cys; replaces arginine 324 with cysteine.
Molecular consequence: missense variant.
Genome position (GRCh38, 1-based): chr2:232,523,536, C>T. VCF-style: chr2-232523536-C-T. GRCh37 (hg19) VCF-style: chr2-233388246-C-T.
Other names: c.970C>T, p.Arg324Cys (NM_001369848.1); short protein forms R324C.
Identifiers: ClinVar variation 4686564 (VCV004686564.1).